The following is an entry in ClinVar:

NM_001018115.3(FANCD2):c.782A>T (p.Lys261Met)

Genes: FANCD2 (FA complementation group D2; plus strand), LOC107303338 (3p25 FANCD2 Alu-mediated recombination region; plus strand). Cytogenetic location: 3p25.3.
Variant type: single nucleotide variant.
Coding change: c.782A>T on transcript NM_001018115.3 (MANE Select); coding-DNA position 782, A replaced by T.
Protein change: p.Lys261Met; replaces lysine 261 with methionine.
Molecular consequence: missense variant.
Genome position (GRCh38, 1-based): chr3:10,041,709, A>T. VCF-style: chr3-10041709-A-T. GRCh37 (hg19) VCF-style: chr3-10083393-A-T.
Other names: c.782A>T (NM_033084.4); c.782A>T, p.Lys261Met (NM_001319984.2, NM_001374253.1, NM_001374254.1 and 1 more transcripts); short protein forms K261M.
Identifiers: ClinVar variation 929646 (VCV000929646.6), dbSNP rs778289599, ClinGen allele CA2249347.

ClinVar aggregate classification (germline): Conflicting classifications of pathogenicity. Review status: criteria provided, conflicting classifications (1 of 4 stars). 5 submissions from 5 submitters: Likely pathogenic (3); Uncertain significance (1). 1 of the submissions does not count toward it. Last evaluated 2025-06-24.

Conditions:
Fanconi anemia (FA). Also called: Fanconi's anemia. Identifiers: Orphanet 84, MedGen C0015625, MeSH D005199, MONDO:0019391.
Fanconi anemia complementation group D2. Also called: FANCD2-Related Fanconi Anemia; FANCONI PANCYTOPENIA, TYPE 4; FANCONI ANEMIA, COMPLEMENTATION GROUP D. Identifiers: Orphanet 84, MedGen C3160738, MONDO:0009214, OMIM 227646.

Allele frequency attached by ClinVar (database versions not stated): gnomAD exomes 0.00001; ExAC 0.00001; gnomAD 0.00001.
gnomAD v4.1: 22 of 1,612,332 alleles (0.0014%); highest among the groups gnomAD compares: Non-Finnish European, 0.0018%; no homozygotes.

Submissions (5):

GeneDx
Classification: Likely pathogenic. Last evaluated: 2025-06-24. Review status: criteria provided, single submitter. Criteria: GeneDx Variant Classification Process June 2021. Collection method: clinical testing. Allele origin: germline.
Comment: Identified in two unrelated patients with Fanconi anemia who harbor second variants, but it is not known whether the variants occurred on the same (in cis) or on different (in trans) alleles (PMID: 17436244); Published functional studies demonstrate exon skipping resulting in a loss of function in a gene for which loss of function is a known mechanism of disease (PMID: 17436244); Not observed at significant frequency in large population cohorts (gnomAD); Also known as p.S232RfsX6; This variant is associated with the following publications: (PMID: 17436244)

Baylor Genetics
Classification: Likely pathogenic for Fanconi anemia complementation group D2. Last evaluated: 2023-09-25. Review status: criteria provided, single submitter. Criteria: ACMG Guidelines, 2015. Collection method: clinical testing. Allele origin: unknown.

Women's Health and Genetics/Laboratory Corporation of America, LabCorp
Classification: Likely pathogenic for Fanconi anemia. Last evaluated: 2023-09-21. Review status: criteria provided, single submitter. Criteria: LabCorp Variant Classification Summary - May 2015. Collection method: clinical testing. Allele origin: germline.
Comment: Variant summary: FANCD2 c.782A>T (p.Lys261Met) results in a non-conservative amino acid change in the encoded protein sequence. Four of five in-silico tools predict a damaging effect of the variant on protein function. In addition, this variant disrupts the penultimate nucleotide of exon 10, and therefore can affect splicing. Several computational tools predict a significant impact on normal splicing: three predict the variant abolishes a 5' splicing donor site, and one tool predicts the variant weakens the same 5' donor site. Two tools also predict the variant creates a 3' acceptor site. At least one publication reports experimental evidence that this variant affects mRNA splicing, finding that the variant leads to exon 10 skipping, resulting in a premature termination codon (p.Ser232ArgfsX6; e.g., Kalb_2007). The variant allele was found at a frequency of 1.2e-05 in 251466 control chromosomes (gnomAD). The available data on variant occurrences in the general population are insufficient to allow any conclusion about variant significance. c.782A>T has been reported in the literature in at least two compound heterozygous individuals affected with Fanconi Anemia (e.g., Kalb_2007). These data indicate that the variant may be associated with disease. The following publication was ascertained in the context of this evaluation (PMID: 17436244). Three submitters have cited clinical-significance assessments for this variant to ClinVar after 2014. Based on the evidence outlined above, the variant was classified as likely pathogenic.

Labcorp Genetics (formerly Invitae), Labcorp
Classification: Uncertain significance for Fanconi anemia. Last evaluated: 2022-08-05. Review status: criteria provided, single submitter. Criteria: Invitae Variant Classification Sherloc (09022015). Collection method: clinical testing. Allele origin: germline.
Comment: This sequence change replaces lysine, which is basic and polar, with methionine, which is neutral and non-polar, at codon 261 of the FANCD2 protein (p.Lys261Met). This variant is present in population databases (rs778289599, gnomAD 0.003%). This missense change has been observed in individual(s) with clinical features of Fanconi anemia (PMID: 17436244). ClinVar contains an entry for this variant (Variation ID: 929646). Algorithms developed to predict the effect of missense changes on protein structure and function are either unavailable or do not agree on the potential impact of this missense change (SIFT: "Deleterious"; PolyPhen-2: "Possibly Damaging"; Align-GVGD: "Class C0"). Algorithms developed to predict the effect of sequence changes on RNA splicing suggest that this variant may disrupt the consensus splice site. In summary, the available evidence is currently insufficient to determine the role of this variant in disease. Therefore, it has been classified as a Variant of Uncertain Significance.

Leiden Open Variation Database
Classification: Pathogenic for Fanconi anemia complementation group D2. Last evaluated: 2020-02-28. Review status: no assertion criteria provided. Collection method: curation. Allele origin: germline. Affected: yes. Not counted in ClinVar's aggregate classification.
Comment: Curator: Arleen D. Auerbach. Submitter to LOVD: Arleen D. Auerbach.

Literature cited by the submitters: PubMed 17436244 (cited by 3 submitters).